The following is an entry in ClinVar:

NM_014989.7(RIMS1):c.2522A>T (p.Glu841Val)

Gene: RIMS1 (regulating synaptic membrane exocytosis 1; plus strand). Cytogenetic location: 6q13.
Variant type: single nucleotide variant.
Coding change: c.2522A>T on transcript NM_014989.7 (MANE Select); coding-DNA position 2522, A replaced by T.
Protein change: p.Glu841Val; replaces glutamic acid 841 with valine.
Molecular consequence: missense variant.
Genome position (GRCh38, 1-based): chr6:72,251,070, A>T. VCF-style: chr6-72251070-A-T. GRCh37 (hg19) VCF-style: chr6-72960773-A-T.
Other names: c.875A>T, p.Glu292Val (NM_001350421.2, NM_001350424.2, NM_001350428.2 and 6 more transcripts); c.944A>T, p.Glu315Val (NM_001350422.2, NM_001350423.2, NM_001350425.2 and 37 more transcripts); c.701A>T, p.Glu234Val (NM_001350461.2, NM_001350463.2, NM_001350464.2 and 6 more transcripts); c.899A>T, p.Glu300Val (NM_001350470.2, NM_001168410.2, NM_001350472.2 and 2 more transcripts); short protein forms E292V, E841V, E300V, E234V, E315V.
Identifiers: ClinVar variation 4775642 (VCV004775642.1).

ClinVar aggregate classification (germline): Uncertain significance (1 of 4 stars; one submission).

gnomAD v4.1: 13 of 1,585,536 alleles (0.00082%); highest among the groups gnomAD compares: Non-Finnish European, 0.0011%; no homozygotes.

Submission:

Labcorp Genetics (formerly Invitae), Labcorp
Classification: Uncertain significance. Last evaluated: 2025-10-18. Review status: criteria provided, single submitter. Criteria: Invitae Variant Classification Sherloc (09022015). Collection method: clinical testing. Allele origin: germline.
Comment: This sequence change replaces glutamic acid, which is acidic and polar, with valine, which is neutral and non-polar, at codon 841 of the RIMS1 protein (p.Glu841Val). This variant is present in population databases (no rsID available, gnomAD 0.001%). This variant has not been reported in the literature in individuals affected with RIMS1-related conditions. An algorithm developed to predict the effect of missense changes on protein structure and function (PolyPhen-2) suggests that this variant is likely to be disruptive. Algorithms developed to predict the effect of sequence changes on RNA splicing suggest that this variant may disrupt the consensus splice site. In summary, the available evidence is currently insufficient to determine the role of this variant in disease. Therefore, it has been classified as a Variant of Uncertain Significance.